The following is an entry in ClinVar:

ClinVar aggregate classification (germline): Uncertain significance (1 of 4 stars; one submission).

Conditions:
Dilated cardiomyopathy 1JJ (CMD1JJ). Identifiers: Orphanet 154, MedGen C3808935, MONDO:0014095, OMIM 615235.

gnomAD v4.1: 1 of 1,612,860 alleles (0.000062%); highest among the groups gnomAD compares: Non-Finnish European, 0.000085%; no homozygotes.

Submission:

Labcorp Genetics (formerly Invitae), Labcorp
Classification: Uncertain significance for Dilated cardiomyopathy 1JJ. Last evaluated: 2025-10-29. Review status: criteria provided, single submitter. Criteria: Invitae Variant Classification Sherloc (09022015). Collection method: clinical testing. Allele origin: germline.
Comment: This sequence change creates a premature translational stop signal (p.Gln1697*) in the LAMA4 gene. It is expected to result in an absent or disrupted protein product. However, the current clinical and genetic evidence is not sufficient to establish whether loss-of-function variants in LAMA4 cause disease. This variant is present in population databases (rs782245186, gnomAD 0.002%). This variant has not been reported in the literature in individuals affected with LAMA4-related conditions. Algorithms developed to predict the effect of sequence changes on RNA splicing suggest that this variant may disrupt the consensus splice site. In summary, the available evidence is currently insufficient to determine the role of this variant in disease. Therefore, it has been classified as a Variant of Uncertain Significance.

NM_001105206.3(LAMA4):c.5110C>T (p.Gln1704Ter)

Gene: LAMA4 (laminin subunit alpha 4; minus strand). Cytogenetic location: 6q21.
Variant type: single nucleotide variant.
Coding change: c.5110C>T on transcript NM_001105206.3 (MANE Select); coding-DNA position 5110, C replaced by T.
Protein change: p.Gln1704Ter; replaces glutamine 1704 with a stop codon.
Molecular consequence: nonsense.
Genome position (GRCh38, 1-based): chr6:112,115,865, G>A on the plus strand (C>T on the coding strand, the complement: LAMA4 is on the minus strand). VCF-style: chr6-112115865-G-A. GRCh37 (hg19) VCF-style: chr6-112437068-G-A.
Other names: c.5089C>T, p.Gln1697Ter (NM_001105207.3, NM_002290.5); short protein forms Q1697*, Q1704*.
Identifiers: ClinVar variation 4762600 (VCV004762600.1).
Genomic context (GRCh38, chr6:112,115,865, plus strand): 5'-TCAGATCTAGAATCCAAGGTCAGATGAGACAAATTGTTAAACATTTTTCAGACACTACCT[G>A]TCCATTTTTCATGTGAACATTTAGGTACTCCCCATTGACACTGTGGCCGTGGACCAGGGT-3'